The following is an entry in ClinVar:

NM_000051.4(ATM):c.7284G>A (p.Arg2428=)

Genes: ATM (ATM serine/threonine kinase; plus strand), C11orf65 (chromosome 11 open reading frame 65; minus strand). Cytogenetic location: 11q22.3.
Variant type: single nucleotide variant.
Coding change: c.7284G>A on transcript NM_000051.4 (MANE Select); coding-DNA position 7284, G replaced by A.
Protein change: p.Arg2428=; no amino-acid change (arginine 2428 retained).
Molecular consequence: synonymous variant. On other transcripts: intron variant (2).
Genome position (GRCh38, 1-based): chr11:108,329,215, G>A. VCF-style: chr11-108329215-G-A. GRCh37 (hg19) VCF-style: chr11-108199942-G-A.
Other names: c.7284G>A, p.Arg2428= (NM_001351834.2); c.641-20144C>T (NM_001330368.2); c.*38+6005C>T (NM_001351110.2).
Identifiers: ClinVar variation 826946 (VCV000826946.14), dbSNP rs1591152279, ClinGen allele CA476676773.
Genomic context (GRCh38, chr11:108,329,215, plus strand): 5'-GGAATTTGAAAACAAGCAAGCTCTCCTGAAAAGAGCCAAAGAGGAAGTAGGTCTCCTTAG[G>A]GAACATAAAATTCAGACAAACAGGTAACTAGGTTTCTACAAGTGACAATTTTATGTTCAC-3'
Protein context (NP_000042.3, residues 2418-2438): KRAKEEVGLL[Arg2428=]EHKIQTNRYT

ClinVar aggregate classification (germline): Benign/Likely benign. Review status: criteria provided, multiple submitters, no conflicts (2 of 4 stars). 4 submissions from 4 submitters: Benign (1); Likely benign (3). Last evaluated 2025-07-21.

Conditions:
Hereditary cancer-predisposing syndrome. Also called: Tumor predisposition; Neoplastic Syndromes, Hereditary; Hereditary Cancer Syndrome; Hereditary neoplastic syndrome. Identifiers: Orphanet 140162, MedGen C0027672, MeSH D009386, MONDO:0015356.
Familial cancer of breast. Also called: Hereditary breast cancer; BREAST CANCER, FAMILIAL; hereditary breast carcinoma. Identifiers: Orphanet 227535, MedGen C0346153, MONDO:0016419, OMIM 114480. Disease mechanism: loss of function.
Ataxia-telangiectasia syndrome (AT). Also called: ATAXIA-TELANGIECTASIA, COMPLEMENTATION GROUP A; ATAXIA-TELANGIECTASIA, FRESNO VARIANT; Ataxia-telangiectasia; Ataxia-telangiectasia, complementation group D; AT, COMPLEMENTATION GROUP C; Ataxia-telangiectasia, complementation group E. Identifiers: Orphanet 100, MedGen C0004135, MONDO:0008840, OMIM 208900.

Submissions (4):

Labcorp Genetics (formerly Invitae), Labcorp
Classification: Likely benign for Ataxia-telangiectasia syndrome. Last evaluated: 2025-07-21. Review status: criteria provided, single submitter. Criteria: Invitae Variant Classification Sherloc (09022015). Collection method: clinical testing. Allele origin: germline.

Myriad Genetics, Inc.
Classification: Benign for Familial cancer of breast. Last evaluated: 2024-06-13. Review status: criteria provided, single submitter. Criteria: Myriad Autosomal Dominant, Autosomal Recessive and X-Linked Classification Criteria (2023). Collection method: clinical testing. Allele origin: unknown.
Comment: This variant is considered benign. This variant is a silent/synonymous amino acid change and it is not expected to impact splicing.

Women's Health and Genetics/Laboratory Corporation of America, LabCorp
Classification: Likely benign. Last evaluated: 2023-03-16. Review status: criteria provided, single submitter. Criteria: LabCorp Variant Classification Summary - May 2015. Collection method: clinical testing. Allele origin: germline.

Ambry Genetics
Classification: Likely benign for Hereditary cancer-predisposing syndrome. Last evaluated: 2018-04-10. Review status: criteria provided, single submitter. Criteria: Ambry Variant Classification Scheme 2023. Collection method: clinical testing. Allele origin: germline.